The following is an entry in ClinVar:

ClinVar aggregate classification (germline): Benign (0 of 4 stars; one submission).

Conditions:
UACA-related disorder. Also called: UACA-related condition.

Allele frequency attached by ClinVar (database versions not stated): ESP Exome Variant Server 0.00031; gnomAD exomes 0.00075; gnomAD 0.00149; 1000 Genomes Project 0.00220; 1000 Genomes Project 30x 0.00234; ExAC 0.00239; TOPMed 0.00254.
gnomAD v4.1: 1,314 of 1,614,022 alleles (0.081%); highest among the groups gnomAD compares: Admixed American, 2%; 19 homozygotes.

Submission:

PreventionGenetics, part of Exact Sciences
Classification: Benign for UACA-related condition. Last evaluated: 2019-06-12. Review status: no assertion criteria provided. Collection method: clinical testing. Allele origin: germline.
Comment: This variant is classified as benign based on ACMG/AMP sequence variant interpretation guidelines (Richards et al. 2015 PMID: 25741868, with internal and published modifications).

NM_018003.4(UACA):c.2801C>T (p.Ser934Leu)

Gene: UACA (uveal autoantigen with coiled-coil domains and ankyrin repeats; minus strand). Cytogenetic location: 15q23.
Variant type: single nucleotide variant.
Coding change: c.2801C>T on transcript NM_018003.4 (MANE Select); coding-DNA position 2801, C replaced by T.
Protein change: p.Ser934Leu; replaces serine 934 with leucine.
Molecular consequence: missense variant.
Genome position (GRCh38, 1-based): chr15:70,667,883, G>A on the plus strand (C>T on the coding strand, the complement: UACA is on the minus strand). VCF-style: chr15-70667883-G-A. GRCh37 (hg19) VCF-style: chr15-70960222-G-A.
Other names: c.2762C>T, p.Ser921Leu (NM_001008224.3); short protein forms S921L, S934L.
Identifiers: ClinVar variation 3034270 (VCV003034270.2), dbSNP rs142570134, ClinGen allele CA7636939.
Genomic context (GRCh38, chr15:70,667,883, plus strand): 5'-CTGTAGTTGGCCAAGATTTCAGCATTACTATCCTGCACCTTTCTCATGCTCTGACTTAGC[G>A]AGCTCATCTTTGCCTCGTGCTCTGCCAGGCTGATGTACTCAGCTTTTATTTGGTTCTGAG-3'
Protein context (NP_060473.2, residues 924-944): SLAEHEAKMS[Ser934Leu]LSQSMRKVQD